The following is an entry in ClinVar:

ClinVar aggregate classification (germline): Conflicting classifications of pathogenicity. Review status: criteria provided, conflicting classifications (1 of 4 stars). 8 submissions from 6 submitters: Uncertain significance (1); Benign (3); Likely benign (3). 1 of the submissions does not count toward it. Last evaluated 2025-03-04.

Conditions:
Hyperparathyroidism. Identifiers: MedGen C0020502, MONDO:0001741, HP:0000843.
Parathyroid carcinoma (PRTC). Also called: CDC73-Related Parathyroid Carcinoma; Parathyroid gland carcinoma. Identifiers: Orphanet 143, MedGen C0687150, MONDO:0012004, OMIM 608266, HP:0006780.
Hyperparathyroidism 1 (HRPT1). Also called: HYPERPARATHYROIDISM, FAMILIAL ISOLATED PRIMARY. Identifiers: Orphanet 99879, MedGen C1840402, MONDO:0007767, OMIM 145000.
Hyperparathyroidism 2 with jaw tumors. Also called: Hyperparathyroidism 2; HYPERPARATHYROIDISM, FAMILIAL PRIMARY, WITH MULTIPLE OSSIFYING JAW FIBROMAS; HYPERPARATHYROIDISM-JAW TUMOR SYNDROME, HEREDITARY; Hyperparathyroidism-Jaw Tumor Syndrome. Identifiers: Orphanet 99880, MedGen C1704981, MONDO:0007768, OMIM 145001.

Allele frequency attached by ClinVar (database versions not stated): gnomAD exomes 0.00028; gnomAD 0.00056; 1000 Genomes Project 0.00080; TOPMed 0.00106.
gnomAD v4.1: 518 of 1,602,492 alleles (0.032%); highest among the groups gnomAD compares: Middle Eastern, 0.25%; 4 homozygotes.

Submissions (8):

Center for Genomic Medicine, Rigshospitalet, Copenhagen University Hospital
Classification: Likely benign. Last evaluated: 2025-03-04. Review status: criteria provided, single submitter. Criteria: ACMG Guidelines, 2015. Collection method: clinical testing. Allele origin: germline.

Blueprint Genetics
Classification: Likely benign. Last evaluated: 2024-11-25. Review status: criteria provided, single submitter. Criteria: ACMG Guidelines, 2015. Collection method: clinical testing. Allele origin: germline.

KCCC/NGS Laboratory, Kuwait Cancer Control Center
Classification: Benign for Hyperparathyroidism 2 with jaw tumors. Last evaluated: 2023-07-07. Review status: criteria provided, single submitter. Criteria: ACMG Guidelines, 2015. Collection method: clinical testing. Allele origin: germline. Affected: yes.

Genetics and Molecular Pathology, SA Pathology
Classification: Likely benign for Hyperparathyroidism. Last evaluated: 2021-08-20. Review status: criteria provided, single submitter. Criteria: ACMG Guidelines, 2015. Collection method: clinical testing. Allele origin: germline. Inheritance: Autosomal dominant inheritance. Affected: yes.
Comment: BS1, BP4, BP6

Illumina Laboratory Services, Illumina
Classification: Uncertain significance for Hyperparathyroidism 1. Last evaluated: 2018-01-13. Review status: criteria provided, single submitter. Criteria: ICSL Variant Classification Criteria 13 December 2019. Collection method: clinical testing. Allele origin: germline.

Illumina Laboratory Services, Illumina
Classification: Benign for Parathyroid carcinoma. Last evaluated: 2018-01-13. Review status: criteria provided, single submitter. Criteria: ICSL Variant Classification Criteria 13 December 2019. Collection method: clinical testing. Allele origin: germline.
Comment: This variant was observed in the ICSL laboratory as part of a predisposition screen in an ostensibly healthy population. It had not been previously curated by ICSL or reported in the Human Gene Mutation Database (HGMD: prior to June 1st, 2018), and was therefore a candidate for classification through an automated scoring system. Utilizing variant allele frequency, disease prevalence and penetrance estimates, and inheritance mode, an automated score was calculated to assess if this variant is too frequent to cause the disease. Based on the score and internal cut-off values, a variant classified as benign is not then subjected to further curation. The score for this variant resulted in a classification of benign for this disease.

Illumina Laboratory Services, Illumina
Classification: Benign for Hyperparathyroidism 2 with jaw tumors. Last evaluated: 2018-01-13. Review status: criteria provided, single submitter. Criteria: ICSL Variant Classification Criteria 13 December 2019. Collection method: clinical testing. Allele origin: germline.
Comment: the same text as in the submission from Illumina Laboratory Services, Illumina above.

GeneReviews
No classification provided. Condition: Parathyroid carcinoma. Review status: no classification provided. Collection method: literature only. Allele origin: unknown. Not counted in ClinVar's aggregate classification.

Literature cited by the submitters: PubMed 20301744 (cited by GeneReviews); NCBI Bookshelf NBK3789 (cited by GeneReviews).

NM_024529.5(CDC73):c.-11G>A

Gene: CDC73 (cell division cycle 73; plus strand). Cytogenetic location: 1q31.2.
Variant type: single nucleotide variant.
Coding change: c.-11G>A on transcript NM_024529.5 (MANE Select); 11 bases upstream of the start codon, G replaced by A.
Molecular consequence: 5 prime UTR variant.
Genome position (GRCh38, 1-based): chr1:193,122,190, G>A. VCF-style: chr1-193122190-G-A. GRCh37 (hg19) VCF-style: chr1-193091320-G-A.
Identifiers: ClinVar variation 21680 (VCV000021680.12), dbSNP rs80356643, ClinGen allele CA342364.